The following is an entry in ClinVar:

ClinVar aggregate classification (germline): Uncertain significance (1 of 4 stars; one submission).

Submission:

Labcorp Genetics (formerly Invitae), Labcorp
Classification: Uncertain significance. Last evaluated: 2023-06-22. Review status: criteria provided, single submitter. Criteria: Invitae Variant Classification Sherloc (09022015). Collection method: clinical testing. Allele origin: germline.
Comment: This sequence change replaces valine, which is neutral and non-polar, with leucine, which is neutral and non-polar, at codon 39 of the MAD2L2 protein (p.Val39Leu). This variant is not present in population databases (gnomAD no frequency). This variant has not been reported in the literature in individuals affected with MAD2L2-related conditions. An algorithm developed to predict the effect of missense changes on protein structure and function (PolyPhen-2) suggests that this variant is likely to be tolerated. In summary, the available evidence is currently insufficient to determine the role of this variant in disease. Therefore, it has been classified as a Variant of Uncertain Significance.

NM_006341.4(MAD2L2):c.115G>T (p.Val39Leu)

Gene: MAD2L2 (mitotic arrest deficient 2 like 2; minus strand). Cytogenetic location: 1p36.22.
Variant type: single nucleotide variant.
Coding change: c.115G>T on transcript NM_006341.4 (MANE Select); coding-DNA position 115, G replaced by T.
Protein change: p.Val39Leu; replaces valine 39 with leucine.
Molecular consequence: missense variant.
Genome position (GRCh38, 1-based): chr1:11,680,397, C>A on the plus strand (G>T on the coding strand, the complement: MAD2L2 is on the minus strand). VCF-style: chr1-11680397-C-A. GRCh37 (hg19) VCF-style: chr1-11740454-C-A.
Other names: c.115G>T, p.Val39Leu (NM_001127325.2); short protein forms V39L.
Identifiers: ClinVar variation 2724058 (VCV002724058.3), dbSNP rs146185443, ClinGen allele CA338418262.